The following is an entry in ClinVar:

ClinVar aggregate classification (germline): Uncertain significance (1 of 4 stars; one submission).

Conditions:
Beta-D-mannosidosis (MANSB). Also called: MANNOSIDOSIS, BETA A, LYSOSOMAL; BETA-MANNOSIDASE DEFICIENCY; LYSOSOMAL BETA-MANNOSIDASE DEFICIENCY; Beta-Mannosidosis. Identifiers: Orphanet 118, MedGen C4048196, MONDO:0009562, OMIM 248510.

Submission:

Labcorp Genetics (formerly Invitae), Labcorp
Classification: Uncertain significance for Beta-D-mannosidosis. Last evaluated: 2022-07-12. Review status: criteria provided, single submitter. Criteria: Invitae Variant Classification Sherloc (09022015). Collection method: clinical testing. Allele origin: germline.
Comment: ClinVar contains an entry for this variant (Variation ID: 1391526). This variant has not been reported in the literature in individuals affected with MANBA-related conditions. This variant is not present in population databases (gnomAD no frequency). This sequence change replaces histidine, which is basic and polar, with leucine, which is neutral and non-polar, at codon 788 of the MANBA protein (p.His788Leu). In summary, the available evidence is currently insufficient to determine the role of this variant in disease. Therefore, it has been classified as a Variant of Uncertain Significance. Algorithms developed to predict the effect of missense changes on protein structure and function (SIFT, PolyPhen-2, Align-GVGD) all suggest that this variant is likely to be tolerated.

NM_005908.4(MANBA):c.2363A>T (p.His788Leu)

Gene: MANBA (mannosidase beta; minus strand). Cytogenetic location: 4q24.
Variant type: single nucleotide variant.
Coding change: c.2363A>T on transcript NM_005908.4 (MANE Select); coding-DNA position 2363, A replaced by T.
Protein change: p.His788Leu; replaces histidine 788 with leucine.
Molecular consequence: missense variant.
Genome position (GRCh38, 1-based): chr4:102,634,840, T>A on the plus strand (A>T on the coding strand, the complement: MANBA is on the minus strand). VCF-style: chr4-102634840-T-A. GRCh37 (hg19) VCF-style: chr4-103555997-T-A.
Other names: short protein forms H788L.
Identifiers: ClinVar variation 1391526 (VCV001391526.6), dbSNP rs2110188478, ClinGen allele CA357756649.